The following is an entry in ClinVar:

NM_006947.4(SRP72):c.1379A>T (p.Tyr460Phe)

Gene: SRP72 (signal recognition particle 72; plus strand). Cytogenetic location: 4q12.
Variant type: single nucleotide variant.
Coding change: c.1379A>T on transcript NM_006947.4 (MANE Select); coding-DNA position 1379, A replaced by T.
Protein change: p.Tyr460Phe; replaces tyrosine 460 with phenylalanine.
Molecular consequence: missense variant. On other transcripts: non-coding transcript variant (1).
Genome position (GRCh38, 1-based): chr4:56,490,391, A>T. VCF-style: chr4-56490391-A-T. GRCh37 (hg19) VCF-style: chr4-57356557-A-T.
Other names: c.1196A>T, p.Tyr399Phe (NM_001267722.2); short protein forms Y460F, Y399F.
Identifiers: ClinVar variation 4589636 (VCV004589636.1).

ClinVar aggregate classification (germline): Uncertain significance (1 of 4 stars; one submission).

Submission:

Ambry Genetics
Classification: Uncertain significance. Last evaluated: 2025-11-28. Review status: criteria provided, single submitter. Criteria: Ambry Variant Classification Scheme 2023. Collection method: clinical testing. Allele origin: germline.
Comment: The p.Y460F variant (also known as c.1379A>T), located in coding exon 14 of the SRP72 gene, results from an A to T substitution at nucleotide position 1379. The tyrosine at codon 460 is replaced by phenylalanine, an amino acid with highly similar properties. This amino acid position is conserved. In addition, this alteration is predicted to be tolerated by in silico analysis. Based on the available evidence, the clinical significance of this variant remains unclear.